The following is an entry in ClinVar:

ClinVar aggregate classification (germline): Uncertain significance (1 of 4 stars; one submission).

Conditions:
Neurofibromatosis, type 1 (NF1). Also called: NEUROFIBROMATOSIS, TYPE I, SOMATIC; VON RECKLINGHAUSEN DISEASE; Neurofibromatosis, type I; Peripheral type neurofibromatosis. Identifiers: Orphanet 636, MedGen C0027831, MONDO:0018975, OMIM 162200. Disease mechanism: loss of function.

Submission:

Labcorp Genetics (formerly Invitae), Labcorp
Classification: Uncertain significance for Neurofibromatosis, type 1. Last evaluated: 2023-06-17. Review status: criteria provided, single submitter. Criteria: Invitae Variant Classification Sherloc (09022015). Collection method: clinical testing. Allele origin: germline.
Comment: In summary, the available evidence is currently insufficient to determine the role of this variant in disease. Therefore, it has been classified as a Variant of Uncertain Significance. Advanced modeling of protein sequence and biophysical properties (such as structural, functional, and spatial information, amino acid conservation, physicochemical variation, residue mobility, and thermodynamic stability) performed at Invitae indicates that this missense variant is expected to disrupt NF1 protein function. ClinVar contains an entry for this variant (Variation ID: 643926). This variant has not been reported in the literature in individuals affected with NF1-related conditions. This variant is not present in population databases (gnomAD no frequency). This sequence change replaces valine, which is neutral and non-polar, with leucine, which is neutral and non-polar, at codon 2628 of the NF1 protein (p.Val2628Leu).

NM_001042492.3(NF1):c.7945G>C (p.Val2649Leu)

Gene: NF1 (neurofibromin 1; plus strand). Cytogenetic location: 17q11.2.
Variant type: single nucleotide variant.
Coding change: c.7945G>C on transcript NM_001042492.3 (MANE Select); coding-DNA position 7945, G replaced by C.
Protein change: p.Val2649Leu; replaces valine 2649 with leucine.
Molecular consequence: missense variant.
Genome position (GRCh38, 1-based): chr17:31,357,344, G>C. VCF-style: chr17-31357344-G-C. GRCh37 (hg19) VCF-style: chr17-29684362-G-C.
Other names: c.7882G>C, p.Val2628Leu (NM_000267.4); short protein forms V2649L, V2628L.
Identifiers: ClinVar variation 643926 (VCV000643926.5), dbSNP rs1555536761, ClinGen allele CA399203516.